The following is an entry in ClinVar:

ClinVar aggregate classification (germline): Benign. Review status: criteria provided, single submitter (1 of 4 stars). 2 submissions from 1 submitter: Benign (2). Last evaluated 2018-01-13.

Conditions:
Adult-onset proximal spinal muscular atrophy, autosomal dominant. Also called: Spinal muscular atrophy, late-onset, finkel type; FINKEL LATE-ADULT TYPE SMA. Identifiers: Orphanet 209335, MedGen C1854058, MONDO:0008453, OMIM 182980.
Amyotrophic lateral sclerosis type 8 (ALS8). Identifiers: Orphanet 803, MedGen C1837728, MONDO:0012077, OMIM 608627.

Allele frequency attached by ClinVar (database versions not stated): ExAC below 0.00001; gnomAD exomes 0.00032; gnomAD 0.00171 and 0.00183; TOPMed 0.00188; 1000 Genomes Project 30x 0.00219; 1000 Genomes Project 0.00240.
gnomAD v4.1: 327 of 454,026 alleles (0.072%); highest among the groups gnomAD compares: African/African-American, 0.57%; no homozygotes.

Submissions (2):

Illumina Laboratory Services, Illumina
Classification: Benign for Adult-onset proximal spinal muscular atrophy, autosomal dominant. Last evaluated: 2018-01-13. Review status: criteria provided, single submitter. Criteria: ICSL Variant Classification Criteria 13 December 2019. Collection method: clinical testing. Allele origin: germline.
Comment: This variant was observed in the ICSL laboratory as part of a predisposition screen in an ostensibly healthy population. It had not been previously curated by ICSL or reported in the Human Gene Mutation Database (HGMD: prior to June 1st, 2018), and was therefore a candidate for classification through an automated scoring system. Utilizing variant allele frequency, disease prevalence and penetrance estimates, and inheritance mode, an automated score was calculated to assess if this variant is too frequent to cause the disease. Based on the score and internal cut-off values, a variant classified as benign is not then subjected to further curation. The score for this variant resulted in a classification of benign for this disease.

Illumina Laboratory Services, Illumina
Classification: Benign for Amyotrophic lateral sclerosis type 8. Last evaluated: 2018-01-13. Review status: criteria provided, single submitter. Criteria: ICSL Variant Classification Criteria 13 December 2019. Collection method: clinical testing. Allele origin: germline.
Comment: the same text as in the submission from Illumina Laboratory Services, Illumina above.

NM_004738.5(VAPB):c.*3968C>T

Gene: VAPB (VAMP associated protein B and C; plus strand). Cytogenetic location: 20q13.32.
Variant type: single nucleotide variant.
Coding change: c.*3968C>T on transcript NM_004738.5 (MANE Select); 3968 bases downstream of the stop codon, C replaced by T.
Molecular consequence: 3 prime UTR variant. On other transcripts: non-coding transcript variant (1).
Genome position (GRCh38, 1-based): chr20:58,448,203, C>T. VCF-style: chr20-58448203-C-T. GRCh37 (hg19) VCF-style: chr20-57023259-C-T.
Other names: c.*4038C>T (NM_001195677.2).
Identifiers: ClinVar variation 899291 (VCV000899291.5), dbSNP rs149967447, ClinGen allele CA9924561.
Genomic context (GRCh38, chr20:58,448,203, plus strand): 5'-GATGAGCTGGAATGGAATTGTATTTAGAAAGGCCCCTGCAAAGTATATAGATGGATGACT[C>T]TAGTTCATGACATACAAATCCCATAAGGCCAACGACCACTCTTCTGGAACACCAAGAGCA-3'